The following is an entry in ClinVar:

ClinVar aggregate classification (germline): Likely benign. Review status: reviewed by expert panel (3 of 4 stars). 19 submissions from 19 submitters: Likely benign (1). 18 of the submissions do not count toward it. Last evaluated 2023-08-03.

Conditions:
CDH1-related diffuse gastric and lobular breast cancer syndrome. Also called: CDH1-related diffuse gastric and lobular breast cancer. Identifiers: MedGen CN311521, MONDO:0100488.
CDH1-related disorder. Also called: CDH1-related condition.
Hereditary cancer-predisposing syndrome. Also called: Tumor predisposition; Hereditary neoplastic syndrome; Neoplastic Syndromes, Hereditary; Hereditary Cancer Syndrome. Identifiers: Orphanet 140162, MedGen C0027672, MeSH D009386, MONDO:0015356.
Hereditary breast ovarian cancer syndrome. Also called: Hereditary breast and ovarian cancer syndrome (HBOC); Hereditary breast and ovarian cancer; Hereditary breast and ovarian cancer syndrome; Breast and ovarian cancer; Hereditary breast and/or ovarian cancer syndrome; BRCA1- and BRCA2-Associated Hereditary Breast and Ovarian Cancer. Identifiers: Orphanet 145, MedGen C0677776, MeSH D061325, MONDO:0003582. Disease mechanism: loss of function.
Hereditary diffuse gastric adenocarcinoma (HDGC). Also called: DIFFUSE GASTRIC AND LOBULAR BREAST CANCER SYNDROME. Identifiers: Orphanet 26106, MedGen C1708349, MONDO:0007648, OMIM 137215.
Familial cancer of breast. Also called: Hereditary breast cancer; hereditary breast carcinoma; BREAST CANCER, FAMILIAL. Identifiers: Orphanet 227535, MedGen C0346153, MONDO:0016419, OMIM 114480. Disease mechanism: loss of function.

Allele frequency attached by ClinVar (database versions not stated): gnomAD 0.00003; TOPMed 0.00005; gnomAD exomes 0.00007; ExAC 0.00008; ESP Exome Variant Server 0.00015.
gnomAD v4.1: 103 of 1,614,184 alleles (0.0064%); highest among the groups gnomAD compares: East Asian, 0.022%; no homozygotes.

Submissions (19):

Clingen Gastric Cancer Variant Curation Expert Panel
Classification: Likely benign for CDH1-related diffuse gastric and lobular breast cancer syndrome. Last evaluated: 2023-08-03. Review status: reviewed by expert panel. Criteria: ClinGen CDH1 ACMG Specifications V3.1. Collection method: curation. Allele origin: germline. Inheritance: Autosomal dominant inheritance.
Comment: The c.1417G>A (p.Val473Ile) variant results in a conservative missense change in the Cadherin 3 domain of CDH1. This variant was observed in 5 of 152,172 alleles in the gnomAD v3.1.2 population database. However, this variants has also been observed in more than 10 individuals without GC, DGC, gastric SRC tumours or LBC and whose families do not suggest HDGC (BS2). In summary, this variant meets criteria to be classified as Likely Benign based on the ACMG/AMP criteria applied as specified by the CDH1 Variant Curation Expert Panel: BS2. (CDH1 VCEP specifications version 3.1; 05/22/2023)

Labcorp Genetics (formerly Invitae), Labcorp
Classification: Likely benign for Hereditary diffuse gastric adenocarcinoma. Last evaluated: 2026-01-19. Review status: criteria provided, single submitter. Criteria: Invitae Variant Classification Sherloc (09022015). Collection method: clinical testing. Allele origin: germline. Not counted in ClinVar's aggregate classification.

Women's Health and Genetics/Laboratory Corporation of America, LabCorp
Classification: Likely benign. Last evaluated: 2025-10-17. Review status: criteria provided, single submitter. Criteria: LabCorp Variant Classification Summary - May 2015. Collection method: clinical testing. Allele origin: germline. Not counted in ClinVar's aggregate classification.
Comment: Variant summary: CDH1 c.1417G>A (p.Val473Ile) results in a conservative amino acid change located in the Cadherin-like domain of the encoded protein sequence. Algorithms developed to predict the effect of missense changes on protein structure and function are either unavailable or do not agree on the potential impact of this missense change. The variant allele was found at a frequency of 6.8e-05 in 251488 control chromosomes. The observed variant frequency exceeds the estimated maximal expected allele frequency for disease-causing variants in CDH1. To our knowledge, no occurrence of c.1417G>A in individuals affected with CDH1-related conditions and no experimental evidence demonstrating its impact on protein function have been reported. The following publications have been ascertained in the context of this evaluation (PMID: 32295625, 30239046). ClinVar contains an entry for this variant (Variation ID: 127914). Based on the evidence outlined above, the variant was classified as likely benign.

Myriad Genetics, Inc.
Classification: Likely benign for Hereditary diffuse gastric adenocarcinoma. Last evaluated: 2025-07-02. Review status: criteria provided, single submitter. Criteria: Myriad Autosomal Dominant, Autosomal Recessive and X-Linked Classification Criteria (2023). Collection method: clinical testing. Allele origin: unknown. Not counted in ClinVar's aggregate classification.
Comment: This variant is considered likely benign. Homozygosity has been confirmed in one or more individuals. As homozygosity for pathogenic variants in this gene is generally assumed to result in embryonic lethality, this variant is unlikely to be pathogenic.

Center for Genomic Medicine, Rigshospitalet, Copenhagen University Hospital
Classification: Likely benign. Last evaluated: 2025-03-04. Review status: criteria provided, single submitter. Criteria: ACMG Guidelines, 2015. Collection method: clinical testing. Allele origin: germline. Not counted in ClinVar's aggregate classification.

Color Diagnostics, LLC DBA Color Health
Classification: Likely benign for Hereditary cancer-predisposing syndrome. Last evaluated: 2024-09-25. Review status: criteria provided, single submitter. Criteria: ACMG Guidelines, 2015. Collection method: clinical testing. Allele origin: germline. Not counted in ClinVar's aggregate classification.

CeGaT Center for Human Genetics Tuebingen
Classification: Likely benign. Last evaluated: 2024-01-01. Review status: criteria provided, single submitter. Criteria: CeGaT Center For Human Genetics Tuebingen Variant Classification Criteria Version 2. Collection method: clinical testing. Allele origin: germline. Affected: yes. Observed: 1 variant allele. Not counted in ClinVar's aggregate classification.
Comment: CDH1: BP4, BS2

German Consortium for Hereditary Breast and Ovarian Cancer, University Hospital Cologne
Classification: Uncertain significance for Hereditary breast ovarian cancer syndrome. Last evaluated: 2023-10-11. Review status: criteria provided, single submitter. Criteria: Lee et al. (Hum Mutat. 2018). Collection method: curation. Allele origin: germline. Not counted in ClinVar's aggregate classification.
Comment: (BP4_Sup) Additional information missing. According to the ACMG gene specific: CDH1 criteria we chose this criterium: BP4 (supporting benign): Prediction tools mainly predict benign effect on protein function (BP4_sup)

GeneDx
Classification: Uncertain significance. Last evaluated: 2022-11-02. Review status: criteria provided, single submitter. Criteria: GeneDx Variant Classification Process June 2021. Collection method: clinical testing. Allele origin: germline. Affected: yes. Not counted in ClinVar's aggregate classification.
Comment: In silico analysis supports that this missense variant does not alter protein structure/function; Observed in an individual with breast cancer (Van Marcke et al., 2020); This variant is associated with the following publications: (PMID: 15235021, 22850631, 30239046, 33471991, 32295625)

European Reference Network on Genetic Tumour Risk Syndromes (ERN-GENTURIS), i3s - Instituto de Investigação e Inovação em Saúde, University of Porto
Classification: Uncertain significance for Hereditary diffuse gastric adenocarcinoma. Last evaluated: 2022-08-01. Review status: criteria provided, single submitter. Criteria: Lee et al. (Hum Mutat. 2018). Collection method: clinical testing. Allele origin: germline. Inheritance: Autosomal dominant inheritance. Affected: no. Study: ERN GENTURIS. Not counted in ClinVar's aggregate classification.
Comment: BS2_Supporting (PMID: 30311375)

MGZ Medical Genetics Center
Classification: Uncertain significance for Familial cancer of breast. Last evaluated: 2022-06-17. Review status: criteria provided, single submitter. Criteria: ACMG Guidelines, 2015. Collection method: clinical testing. Allele origin: germline. Affected: yes. Observed: 1 variant allele. Not counted in ClinVar's aggregate classification.
Comment: ACMG criteria applied: PM1_SUP, PM2_SUP

Institute for Clinical Genetics, University Hospital TU Dresden, University Hospital TU Dresden
Classification: Uncertain significance. Last evaluated: 2021-11-03. Review status: criteria provided, single submitter. Criteria: ACMG Guidelines, 2015. Collection method: clinical testing. Allele origin: germline. Not counted in ClinVar's aggregate classification.

Sema4
Classification: Likely benign for Hereditary cancer-predisposing syndrome. Last evaluated: 2021-03-26. Review status: criteria provided, single submitter. Criteria: Sema4 Curation Guidelines. Collection method: curation. Allele origin: germline. Not counted in ClinVar's aggregate classification.

Ambry Genetics
Classification: Likely benign for Hereditary cancer-predisposing syndrome. Last evaluated: 2020-08-19. Review status: criteria provided, single submitter. Criteria: Ambry Variant Classification Scheme 2023. Collection method: clinical testing. Allele origin: germline. Not counted in ClinVar's aggregate classification.

Quest Diagnostics Nichols Institute San Juan Capistrano
Classification: Likely benign. Last evaluated: 2019-12-31. Review status: criteria provided, single submitter. Criteria: Quest Diagnostics criteria. Collection method: clinical testing. Allele origin: unknown. Not counted in ClinVar's aggregate classification.

Mendelics
Classification: Uncertain significance for Hereditary diffuse gastric adenocarcinoma. Last evaluated: 2019-05-28. Review status: criteria provided, single submitter. Criteria: Mendelics Assertion Criteria 2017. Collection method: clinical testing. Allele origin: unknown. Not counted in ClinVar's aggregate classification.

PreventionGenetics, part of Exact Sciences
Classification: Likely benign for CDH1-related condition. Last evaluated: 2024-03-27. Review status: no assertion criteria provided. Collection method: clinical testing. Allele origin: germline. Not counted in ClinVar's aggregate classification.
Comment: This variant is classified as likely benign based on ACMG/AMP sequence variant interpretation guidelines (Richards et al. 2015 PMID: 25741868, with internal and published modifications).

Counsyl
Classification: Uncertain significance for Hereditary diffuse gastric adenocarcinoma. Last evaluated: 2016-10-11. Review status: no assertion criteria provided. Collection method: clinical testing. Allele origin: unknown. Not counted in ClinVar's aggregate classification.

Department of Pathology and Laboratory Medicine, Sinai Health System
Classification: Uncertain significance for Hereditary diffuse gastric adenocarcinoma. Review status: no assertion criteria provided. Collection method: clinical testing. Allele origin: unknown. Affected: yes. Observed: 2 variant alleles. Study: The Canadian Open Genetics Repository (COGR). Not counted in ClinVar's aggregate classification.
Comment: The CDH1 p.Val473Ile variant was not identified in the literature. The variant was identified in dbSNP (ID: rs36087757) as "With Uncertain significance allele", ClinVar (classified as uncertain significance by GeneDx, Invitae, Ambry Genetics and Myriad Women's Health). The variant was identified in control databases in 20 of 277230 chromosomes at a frequency of 0.00007 (Genome Aggregation Database Feb 27, 2017). The variant was observed in the following populations: African in 1 of 24032 chromosomes (freq: 0.000042), European in 11 of 126718 chromosomes (freq: 0.00009), East Asian in 8 of 18868 chromosomes (freq: 0.0004); it was not observed in the Other, Latino, Ashkenazi Jewish, Finnish, and South Asian populations. The p.Val473 residue is conserved across mammals and other organisms, and four out of five computational analyses (PolyPhen-2, SIFT, AlignGVGD, BLOSUM, MutationTaster) suggest that the variant may impact the protein; however, this information is not predictive enough to assume pathogenicity. The variant occurs outside of the splicing consensus sequence and in silico or computational prediction software programs (SpliceSiteFinder, MaxEntScan, NNSPLICE, GeneSplicer) do not predict a difference in splicing. In summary, based on the above information the clinical significance of this variant cannot be determined with certainty at this time. This variant is classified as a variant of uncertain significance.

Literature cited by the submitters: PubMed 32295625 (cited by Women's Health and Genetics/Laboratory Corporation of America, LabCorp); PubMed 30239046 (cited by Women's Health and Genetics/Laboratory Corporation of America, LabCorp); PubMed 36436516 (cited by European Reference Network on Genetic Tumour Risk Syndromes (ERN-GENTURIS), i3s - Instituto de Investigação e Inovação em Saúde, University of Porto); PubMed 33471991 (cited by Sema4).

NM_004360.5(CDH1):c.1417G>A (p.Val473Ile)

Gene: CDH1 (cadherin 1; plus strand). Cytogenetic location: 16q22.1.
Variant type: single nucleotide variant.
Coding change: c.1417G>A on transcript NM_004360.5 (MANE Select); coding-DNA position 1417, G replaced by A.
Protein change: p.Val473Ile; replaces valine 473 with isoleucine.
Molecular consequence: missense variant. On other transcripts: 5 prime UTR variant (2).
Genome position (GRCh38, 1-based): chr16:68,815,611, G>A. VCF-style: chr16-68815611-G-A. GRCh37 (hg19) VCF-style: chr16-68849514-G-A.
Other names: p.V473I:GTC>ATC; NM_001317186.2:c.-403G>A; c.1234G>A, p.Val412Ile (NM_001317184.2); c.-132G>A (NM_001317185.2); c.-403G>A (NM_001317186.2); c.1417G>A (LRG_301t1); short protein forms V473I, V412I.
Identifiers: ClinVar variation 127914 (VCV000127914.69), dbSNP rs36087757, ClinGen allele CA288037.